The following is an entry in ClinVar:

NM_052947.4(ALPK2):c.3958A>C (p.Thr1320Pro)

Genes: ALPK2 (alpha kinase 2; minus strand), LOC126862764 (BRD4-independent group 4 enhancer GRCh37_chr18:56202574-56203773; plus strand). Cytogenetic location: 18q21.31.
Variant type: single nucleotide variant.
Coding change: c.3958A>C on transcript NM_052947.4 (MANE Select); coding-DNA position 3958, A replaced by C.
Protein change: p.Thr1320Pro; replaces threonine 1320 with proline.
Molecular consequence: missense variant.
Genome position (GRCh38, 1-based): chr18:58,536,229, T>G on the plus strand (A>C on the coding strand, the complement: ALPK2 is on the minus strand). VCF-style: chr18-58536229-T-G. GRCh37 (hg19) VCF-style: chr18-56203461-T-G.
Other names: short protein forms T1320P.
Identifiers: ClinVar variation 3290840 (VCV003290840.1).
Genomic context (GRCh38, chr18:58,536,229, plus strand): 5'-CCAGGAGTCTGGGTTGGCTGAAACCCCGGGAAGAAAGACTTCTCCAATGTACACTGATGG[T>G]GGGCTCTTCGCCTTTATGGCTTTCTCTGCTATCAGCAAGGGCTGACTCAGCATCCTCTGG-3'
Protein context (NP_443179.3, residues 1310-1330): SRESHKGEEP[Thr1320Pro]ISVHWRSLSS

ClinVar aggregate classification (germline): Uncertain significance (1 of 4 stars; one submission).

Submission:

Ambry Genetics
Classification: Uncertain significance. Last evaluated: 2024-06-24. Review status: criteria provided, single submitter. Criteria: Ambry Variant Classification Scheme 2023. Collection method: clinical testing. Allele origin: germline.
Comment: The p.T1320P variant (also known as c.3958A>C), located in coding exon 4 of the ALPK2 gene, results from an A to C substitution at nucleotide position 3958. The threonine at codon 1320 is replaced by proline, an amino acid with highly similar properties. This amino acid position is conserved. In addition, this alteration is predicted to be tolerated by in silico analysis. Based on the available evidence, the clinical significance of this variant remains unclear.